The following is an entry in ClinVar:

ClinVar aggregate classification (germline): Uncertain significance. Review status: criteria provided, multiple submitters, no conflicts (2 of 4 stars). 2 submissions from 2 submitters: Uncertain significance (2). Last evaluated 2023-05-27.

Conditions:
Singleton-Merten syndrome 1 (SGMRT1). Also called: Widened medullary cavities of bone, aortic calcification, abnormal dentition, and muscular weakness; Syndrome of widened medullary cavities of the metacarpals and phalanges, aortic calcification and abnormal dentition. Identifiers: Orphanet 85191, MedGen C4225427, MONDO:0024535, OMIM 182250.
Aicardi-Goutieres syndrome 7 (AGS7). Identifiers: Orphanet 51, MedGen C3888244, MONDO:0014367, OMIM 615846.

Allele frequency attached by ClinVar (database versions not stated): ExAC 0.00006.
gnomAD v4.1: 40 of 1,613,788 alleles (0.0025%); highest among the groups gnomAD compares: South Asian, 0.042%; no homozygotes.

Submissions (2):

Labcorp Genetics (formerly Invitae), Labcorp
Classification: Uncertain significance for Aicardi-Goutieres syndrome 7; Singleton-Merten syndrome 1. Last evaluated: 2023-05-27. Review status: criteria provided, single submitter. Criteria: Invitae Variant Classification Sherloc (09022015). Collection method: clinical testing. Allele origin: germline.
Comment: In summary, the available evidence is currently insufficient to determine the role of this variant in disease. Therefore, it has been classified as a Variant of Uncertain Significance. Advanced modeling of protein sequence and biophysical properties (such as structural, functional, and spatial information, amino acid conservation, physicochemical variation, residue mobility, and thermodynamic stability) has been performed at Invitae for this missense variant, however the output from this modeling did not meet the statistical confidence thresholds required to predict the impact of this variant on IFIH1 protein function. This variant has not been reported in the literature in individuals affected with IFIH1-related conditions. This variant is present in population databases (rs753834225, gnomAD 0.04%), and has an allele count higher than expected for a pathogenic variant. This sequence change replaces glycine, which is neutral and non-polar, with valine, which is neutral and non-polar, at codon 199 of the IFIH1 protein (p.Gly199Val).

Blueprint Genetics
Classification: Uncertain significance. Last evaluated: 2022-04-29. Review status: criteria provided, single submitter. Criteria: ACMG Guidelines, 2015. Collection method: clinical testing. Allele origin: germline.

NM_022168.4(IFIH1):c.596G>T (p.Gly199Val)

Gene: IFIH1 (interferon induced with helicase C domain 1; minus strand). Cytogenetic location: 2q24.2.
Variant type: single nucleotide variant.
Coding change: c.596G>T on transcript NM_022168.4 (MANE Select); coding-DNA position 596, G replaced by T.
Protein change: p.Gly199Val; replaces glycine 199 with valine.
Molecular consequence: missense variant.
Genome position (GRCh38, 1-based): chr2:162,310,791, C>A on the plus strand (G>T on the coding strand, the complement: IFIH1 is on the minus strand). VCF-style: chr2-162310791-C-A. GRCh37 (hg19) VCF-style: chr2-163167301-C-A.
Other names: short protein forms G199V.
Identifiers: ClinVar variation 2929790 (VCV002929790.4), dbSNP rs753834225, ClinGen allele CA1934774.